The following is an entry in ClinVar:

ClinVar aggregate classification (germline): Uncertain significance. Review status: criteria provided, multiple submitters, no conflicts (2 of 4 stars). 3 submissions from 3 submitters: Uncertain significance (3). Last evaluated 2025-07-24.

Conditions:
COL18A1-related disorder. Also called: COL18A1-related disorders; COL18A1-related condition.
Inborn genetic diseases. Identifiers: MedGen C0950123, MeSH D030342.

Allele frequency attached by ClinVar (database versions not stated): ExAC 0.00006; gnomAD exomes 0.00007.
gnomAD v4.1: 36 of 1,521,622 alleles (0.0024%); highest among the groups gnomAD compares: South Asian, 0.04%; 1 homozygote.

Submissions (3):

PreventionGenetics, part of Exact Sciences
Classification: Uncertain significance for COL18A1-related condition. Last evaluated: 2025-07-24. Review status: criteria provided, single submitter. Criteria: ACMG Guidelines, 2015. Collection method: clinical testing. Allele origin: germline.
Comment: The COL18A1 c.3071C>T variant is predicted to result in the amino acid substitution p.Pro1024Leu. To our knowledge, this variant has not been reported in the literature. This variant is reported in 0.056% of alleles in individuals of South Asian descent in gnomAD. Although we suspect that this variant may be benign, at this time, the clinical significance of this variant is uncertain due to the absence of conclusive functional and genetic evidence.

Labcorp Genetics (formerly Invitae), Labcorp
Classification: Uncertain significance. Last evaluated: 2024-10-28. Review status: criteria provided, single submitter. Criteria: Invitae Variant Classification Sherloc (09022015). Collection method: clinical testing. Allele origin: germline.
Comment: This sequence change replaces proline with leucine at codon 844 of the COL18A1 protein (p.Pro844Leu). This variant is present in population databases (rs754192713, gnomAD 0.05%). This variant has not been reported in the literature in individuals affected with COL18A1-related conditions. ClinVar contains an entry for this variant (Variation ID: 1417165). Experimental studies and prediction algorithms are not available or were not evaluated, and the functional significance of this variant is currently unknown. In summary, the available evidence is currently insufficient to determine the role of this variant in disease. Therefore, it has been classified as a Variant of Uncertain Significance.

Ambry Genetics
Classification: Uncertain significance for Inborn genetic diseases. Last evaluated: 2023-06-07. Review status: criteria provided, single submitter. Criteria: Ambry Variant Classification Scheme 2023. Collection method: clinical testing. Allele origin: germline.

NM_001379500.1(COL18A1):c.2531C>T (p.Pro844Leu)

Gene: COL18A1 (collagen type XVIII alpha 1 chain; plus strand). Cytogenetic location: 21q22.3.
Variant type: single nucleotide variant.
Coding change: c.2531C>T on transcript NM_001379500.1 (MANE Select); coding-DNA position 2531, C replaced by T.
Protein change: p.Pro844Leu; replaces proline 844 with leucine.
Molecular consequence: missense variant.
Genome position (GRCh38, 1-based): chr21:45,496,522, C>T. VCF-style: chr21-45496522-C-T. GRCh37 (hg19) VCF-style: chr21-46916436-C-T.
Other names: NM_130445.2:c.2531C>T; c.3071C>T, p.Pro1024Leu (NM_030582.4); c.3776C>T, p.Pro1259Leu (NM_130444.3); c.3071C>T (NM_030582.3); short protein forms P1259L, P844L, P1024L.
Identifiers: ClinVar variation 1417165 (VCV001417165.8), dbSNP rs754192713, ClinGen allele CA10067174.